The following is an entry in ClinVar:

ClinVar aggregate classification (germline): Uncertain significance. Review status: criteria provided, multiple submitters, no conflicts (2 of 4 stars). 2 submissions from 2 submitters: Uncertain significance (2). Last evaluated 2025-08-25.

Conditions:
Glycogen storage disease IXd (GSD9D). Also called: Muscle Phosphorylase Kinase Deficiency; GSD IXd. Identifiers: Orphanet 715, MedGen C1845151, MONDO:0010362, OMIM 300559.
Inborn genetic diseases. Identifiers: MedGen C0950123, MeSH D030342.

Allele frequency attached by ClinVar (database versions not stated): gnomAD exomes below 0.00001.
gnomAD v4.1: 1 of 1,210,908 alleles (0.000083%); highest among the groups gnomAD compares: Admixed American, 0.0022%; no homozygotes.

Submissions (2):

Ambry Genetics
Classification: Uncertain significance for Inborn genetic diseases. Last evaluated: 2025-08-25. Review status: criteria provided, single submitter. Criteria: Ambry Variant Classification Scheme 2023. Collection method: clinical testing. Allele origin: germline.

Labcorp Genetics (formerly Invitae), Labcorp
Classification: Uncertain significance for Glycogen storage disease IXd. Last evaluated: 2023-11-24. Review status: criteria provided, single submitter. Criteria: Invitae Variant Classification Sherloc (09022015). Collection method: clinical testing. Allele origin: germline.
Comment: This sequence change replaces glutamic acid, which is acidic and polar, with aspartic acid, which is acidic and polar, at codon 541 of the PHKA1 protein (p.Glu541Asp). This variant is not present in population databases (gnomAD no frequency). This variant has not been reported in the literature in individuals affected with PHKA1-related conditions. ClinVar contains an entry for this variant (Variation ID: 2078122). Advanced modeling of protein sequence and biophysical properties (such as structural, functional, and spatial information, amino acid conservation, physicochemical variation, residue mobility, and thermodynamic stability) performed at Invitae indicates that this missense variant is not expected to disrupt PHKA1 protein function with a negative predictive value of 80%. In summary, the available evidence is currently insufficient to determine the role of this variant in disease. Therefore, it has been classified as a Variant of Uncertain Significance.

NM_002637.4(PHKA1):c.1623A>C (p.Glu541Asp)

Gene: PHKA1 (phosphorylase kinase regulatory subunit alpha 1; minus strand). Cytogenetic location: Xq13.1.
Variant type: single nucleotide variant.
Coding change: c.1623A>C on transcript NM_002637.4 (MANE Select); coding-DNA position 1623, A replaced by C.
Protein change: p.Glu541Asp; replaces glutamic acid 541 with aspartic acid.
Molecular consequence: missense variant.
Genome position (GRCh38, 1-based): chrX:72,635,246, T>G on the plus strand (A>C on the coding strand, the complement: PHKA1 is on the minus strand). VCF-style: chrX-72635246-T-G. GRCh37 (hg19) VCF-style: chrX-71855096-T-G.
Other names: c.1623A>C (NM_002637.3); c.1623A>C, p.Glu541Asp (NM_001122670.2, NM_001172436.2); short protein forms E541D.
Identifiers: ClinVar variation 2078122 (VCV002078122.5), dbSNP rs2522548193, ClinGen allele CA413592085.
Genomic context (GRCh38, chrX:72,635,246, plus strand): 5'-GGTGGGCTGGCCTGTCATCCGCCAGCGGCTACAGAGGTAGGAGAGGTCTGTTCTAAGCAT[T>G]TCCACTATCATCTTGTTGTCCAGAGCCAGGTAGAACTGTTGCTGGTCTATAAACTGAGAC-3'
Protein context (NP_002628.2, residues 531-551): YLALDNKMIV[Glu541Asp]MLRTDLSYLC